The following is an entry in ClinVar:

NM_002109.6(HARS1):c.398T>C (p.Val133Ala)

Gene: HARS1 (histidyl-tRNA synthetase 1; minus strand). Cytogenetic location: 5q31.3.
Variant type: single nucleotide variant.
Coding change: c.398T>C on transcript NM_002109.6 (MANE Select); coding-DNA position 398, T replaced by C.
Protein change: p.Val133Ala; replaces valine 133 with alanine.
Molecular consequence: missense variant. On other transcripts: intron variant (2).
Genome position (GRCh38, 1-based): chr5:140,679,126, A>G on the plus strand (T>C on the coding strand, the complement: HARS1 is on the minus strand). VCF-style: chr5-140679126-A-G. GRCh37 (hg19) VCF-style: chr5-140058711-A-G.
Other names: c.278T>C, p.Val93Ala (NM_001258040.3, NM_001258042.3); c.398T>C, p.Val133Ala (NM_001258041.3); c.311T>C, p.Val104Ala (NM_001289094.2); c.181-1111T>C (NM_001289093.2); c.301-1111T>C (NM_001289092.2); short protein forms V104A, V133A, V93A.
Identifiers: ClinVar variation 1996659 (VCV001996659.4), dbSNP rs2149826951, ClinGen allele CA361257478.
Genomic context (GRCh38, chr5:140,679,126, plus strand): 5'-GCTATGTGGTAGCGTTTAATGTTGGTCAGTTTATTCATTGCCAAATACCGAGCAAAAGGA[A>G]CCTGATGACAAAGAGTTAAGGAGAAAGCCCCTCCTATCACTGTCTGCAAGTTGATTATCA-3'
Protein context (NP_002100.2, residues 123-143): ELLSLRYDLT[Val133Ala]PFARYLAMNK

ClinVar aggregate classification (germline): Uncertain significance (1 of 4 stars; one submission).

Conditions:
Usher syndrome type 3B. Also called: USHER SYNDROME, TYPE IIIB. Identifiers: MedGen C3281066, MONDO:0013788, OMIM 614504.

Submission:

Labcorp Genetics (formerly Invitae), Labcorp
Classification: Uncertain significance for Usher syndrome type 3B. Last evaluated: 2022-05-20. Review status: criteria provided, single submitter. Criteria: Invitae Variant Classification Sherloc (09022015). Collection method: clinical testing. Allele origin: germline.
Comment: In summary, the available evidence is currently insufficient to determine the role of this variant in disease. Therefore, it has been classified as a Variant of Uncertain Significance. This variant disrupts the p.Val133 amino acid residue in HARS. Other variant(s) that disrupt this residue have been observed in individuals with HARS-related conditions (PMID: 31211171; Invitae), which suggests that this may be a clinically significant amino acid residue. Algorithms developed to predict the effect of missense changes on protein structure and function are either unavailable or do not agree on the potential impact of this missense change (SIFT: "Deleterious"; PolyPhen-2: "Probably Damaging"; Align-GVGD: "Class C0"). This variant has not been reported in the literature in individuals affected with HARS-related conditions. This variant is not present in population databases (gnomAD no frequency). This sequence change replaces valine, which is neutral and non-polar, with alanine, which is neutral and non-polar, at codon 133 of the HARS protein (p.Val133Ala).

Literature cited by the submitters: PubMed 31211171.